The following is an entry in ClinVar:

ClinVar aggregate classification (germline): Uncertain significance. Review status: criteria provided, multiple submitters, no conflicts (2 of 4 stars). 2 submissions from 2 submitters: Uncertain significance (2). Last evaluated 2026-01-11.

gnomAD v4.1: 4 of 1,614,050 alleles (0.00025%); highest among the groups gnomAD compares: Non-Finnish European, 0.00034%; no homozygotes.

Submissions (2):

Labcorp Genetics (formerly Invitae), Labcorp
Classification: Uncertain significance. Last evaluated: 2026-01-11. Review status: criteria provided, single submitter. Criteria: Invitae Variant Classification Sherloc (09022015). Collection method: clinical testing. Allele origin: germline.
Comment: This sequence change replaces aspartic acid, which is acidic and polar, with glutamic acid, which is acidic and polar, at codon 234 of the MTMR14 protein (p.Asp234Glu). This variant is present in population databases (no rsID available, gnomAD 0.0009%). This variant has not been reported in the literature in individuals affected with MTMR14-related conditions. ClinVar contains an entry for this variant (Variation ID: 3339671). Invitae Evidence Modeling of protein sequence and biophysical properties (such as structural, functional, and spatial information, amino acid conservation, physicochemical variation, residue mobility, and thermodynamic stability) indicates that this missense variant is not expected to disrupt MTMR14 protein function with a negative predictive value of 80%. In summary, the available evidence is currently insufficient to determine the role of this variant in disease. Therefore, it has been classified as a Variant of Uncertain Significance.

Women's Health and Genetics/Laboratory Corporation of America, LabCorp
Classification: Uncertain significance. Last evaluated: 2025-06-30. Review status: criteria provided, single submitter. Criteria: LabCorp Variant Classification Summary - May 2015. Collection method: clinical testing. Allele origin: germline.
Comment: Variant summary: MTMR14 c.702C>A (p.Asp234Glu) results in a conservative amino acid change located in the MTMR14, PH-GRAM domain (IPR039803) of the encoded protein sequence. Algorithms developed to predict the effect of missense changes on protein structure and function are either unavailable or do not agree on the potential impact of this missense change. The variant allele was found at a frequency of 4e-06 in 249580 control chromosomes. The available data on variant occurrences in the general population are insufficient to allow any conclusion about variant significance. To our knowledge, no occurrence of c.702C>A in individuals affected with Autosomal dominant centronuclear myopathy and no experimental evidence demonstrating its impact on protein function have been reported. ClinVar contains an entry for this variant (Variation ID: 3339671). Based on the evidence outlined above, the variant was classified as uncertain significance.

NM_001077525.3(MTMR14):c.702C>A (p.Asp234Glu)

Gene: MTMR14 (myotubularin related protein 14; plus strand). Cytogenetic location: 3p25.3.
Variant type: single nucleotide variant.
Coding change: c.702C>A on transcript NM_001077525.3 (MANE Select); coding-DNA position 702, C replaced by A.
Protein change: p.Asp234Glu; replaces aspartic acid 234 with glutamic acid.
Molecular consequence: missense variant. On other transcripts: 5 prime UTR variant (4), non-coding transcript variant (9).
Genome position (GRCh38, 1-based): chr3:9,672,709, C>A. VCF-style: chr3-9672709-C-A. GRCh37 (hg19) VCF-style: chr3-9714393-C-A.
Other names: c.702C>A, p.Asp234Glu (NM_001077526.3, NM_001400520.1, NM_001400523.1 and 2 more transcripts); c.771C>A, p.Asp257Glu (NM_001400518.1, NM_001400521.1, NM_001400526.1); c.699C>A, p.Asp233Glu (NM_001400519.1, NM_001400522.1); c.456C>A, p.Asp152Glu (NM_001400524.1, NM_001400527.1, NM_001400530.1 and 1 more transcripts); c.420C>A, p.Asp140Glu (NM_001400525.1, NM_001400529.1, NM_001400532.1 and 1 more transcripts); c.453C>A, p.Asp151Glu (NM_001400531.1); c.60C>A, p.Asp20Glu (NM_001400533.1, NM_001400534.1, NM_001400535.1 and 9 more transcripts); c.-14C>A (NM_001400544.1, NM_001400547.1, NM_001400548.1 and 1 more transcripts); short protein forms D140E, D151E, D152E, D20E, D233E, D234E, D257E.
Identifiers: ClinVar variation 3339671 (VCV003339671.4).